The following is an entry in ClinVar:

ClinVar aggregate classification (germline): Uncertain significance (1 of 4 stars; one submission).

Conditions:
Cranioectodermal dysplasia 1 (CED1). Also called: LEVIN SYNDROME I. Identifiers: Orphanet 1515, MedGen C0432235, MONDO:0021093, OMIM 218330.

gnomAD v4.1: 9 of 1,613,652 alleles (0.00056%); highest among the groups gnomAD compares: Non-Finnish European, 0.00051%; no homozygotes.

Submission:

Labcorp Genetics (formerly Invitae), Labcorp
Classification: Uncertain significance for Cranioectodermal dysplasia 1. Last evaluated: 2024-09-30. Review status: criteria provided, single submitter. Criteria: Invitae Variant Classification Sherloc (09022015). Collection method: clinical testing. Allele origin: germline.
Comment: This sequence change replaces arginine, which is basic and polar, with histidine, which is basic and polar, at codon 1021 of the IFT122 protein (p.Arg1021His). This variant is present in population databases (rs762874935, gnomAD 0.004%). This variant has not been reported in the literature in individuals affected with IFT122-related conditions. ClinVar contains an entry for this variant (Variation ID: 1984047). Invitae Evidence Modeling of protein sequence and biophysical properties (such as structural, functional, and spatial information, amino acid conservation, physicochemical variation, residue mobility, and thermodynamic stability) indicates that this missense variant is not expected to disrupt IFT122 protein function with a negative predictive value of 80%. In summary, the available evidence is currently insufficient to determine the role of this variant in disease. Therefore, it has been classified as a Variant of Uncertain Significance.

NM_052989.3(IFT122):c.2909G>A (p.Arg970His)

Gene: IFT122 (intraflagellar transport 122; plus strand). Cytogenetic location: 3q22.1.
Variant type: single nucleotide variant.
Coding change: c.2909G>A on transcript NM_052989.3 (MANE Select); coding-DNA position 2909, G replaced by A.
Protein change: p.Arg970His; replaces arginine 970 with histidine.
Molecular consequence: missense variant.
Genome position (GRCh38, 1-based): chr3:129,512,334, G>A. VCF-style: chr3-129512334-G-A. GRCh37 (hg19) VCF-style: chr3-129231177-G-A.
Other names: c.2576G>A, p.Arg859His (NM_001410815.1); c.2525G>A, p.Arg842His (NM_001410817.1); c.2732G>A, p.Arg911His (NM_018262.4); c.3062G>A, p.Arg1021His (NM_052985.4); c.2579G>A, p.Arg860His (NM_052990.3); c.2888G>A, p.Arg963His (NM_001280541.2); c.2459G>A, p.Arg820His (NM_001280545.2); c.2282G>A, p.Arg761His (NM_001280546.2); and 5 more; short protein forms R842H, R859H, R860H, R963H, R970H, R761H, R911H, R820H.
Identifiers: ClinVar variation 1984047 (VCV001984047.4), dbSNP rs762874935, ClinGen allele CA2606701.